The following is an entry in ClinVar:

NM_080424.4(SP110):c.1395dup (p.Val466fs)

Gene: SP110 (SP110 nuclear body protein; minus strand). Cytogenetic location: 2q37.1.
Variant type: Duplication.
Coding change: c.1395dup on transcript NM_080424.4 (MANE Select); coding-DNA position 1395, one base duplicated (C; older notation c.1395dupC).
Protein change: p.Val466fs; shifts the reading frame from valine 466.
Molecular consequence: frameshift variant.
Genome position (GRCh38, 1-based): chr2:230,178,209, G duplicated on the plus strand (C on the coding strand, the reverse complement: SP110 is on the minus strand); the first of 4 consecutive G bases (chr2:230,178,209-230,178,212); duplicating any one gives the same sequence. VCF-style (leftmost placement, unchanged base first): chr2-230178208-C-CG. GRCh37 (hg19) VCF-style: chr2-231042924-C-CG.
Other names: c.1413dup, p.Val472fs (NM_001185015.2, NM_001378442.1, NM_001378444.1 and 2 more transcripts); c.1395dup, p.Val466fs (NM_001378443.1, NM_004509.5, NM_004510.4); c.1245dup, p.Val416fs (NM_001378447.1); c.1395dupC (NM_004509.3); short protein forms V466fs, V472fs, V416fs.
Identifiers: ClinVar variation 574936 (VCV000574936.6), dbSNP rs1560530550, ClinGen allele CA891842756.

ClinVar aggregate classification (germline): Pathogenic (1 of 4 stars; one submission).

Conditions:
Hepatic veno-occlusive disease-immunodeficiency syndrome. Also called: Hepatic Veno-Occlusive Disease with Immunodeficiency. Identifiers: Orphanet 79124, MedGen C1856128, MONDO:0009338, OMIM 235550. Disease mechanism: loss of function.

Submission:

Labcorp Genetics (formerly Invitae), Labcorp
Classification: Pathogenic for Hepatic veno-occlusive disease-immunodeficiency syndrome. Last evaluated: 2017-09-26. Review status: criteria provided, single submitter. Criteria: Invitae Variant Classification Sherloc (09022015). Collection method: clinical testing. Allele origin: germline.
Comment: For these reasons, this variant has been classified as Pathogenic. Loss-of-function variants in SP110 are known to be pathogenic (PMID: 16648851, 22621957). This variant has not been reported in the literature in individuals with SP110-related disease. This variant is not present in population databases (ExAC no frequency). This sequence change creates a premature translational stop signal (p.Val466Argfs*5) in the SP110 gene. It is expected to result in an absent or disrupted protein product.

Literature cited by the submitters: PubMed 16648851; PubMed 22621957.